The following is an entry in ClinVar:

ClinVar aggregate classification (germline): Uncertain significance. Review status: criteria provided, single submitter (1 of 4 stars). 3 submissions from 3 submitters: Uncertain significance (1). 2 of the submissions do not count toward it. Last evaluated 2022-05-07.

Conditions:
MCCC2-related disorder. Also called: MCCC2-related condition.
Methylcrotonyl-CoA carboxylase deficiency. Also called: 3 Methylcrotonylglycinuria; 3-MCC Deficiency; Deficiency of methylcrotonoyl-CoA carboxylase. Identifiers: Orphanet 6, MedGen C4551505, MONDO:0018950.
3-methylcrotonyl-CoA carboxylase 2 deficiency. Also called: 3 alpha methylcrotonyl-CoA carboxylase 2 deficiency; 3 alpha methylcrotonylglycinuria 2; MCC 2 deficiency; Methylcrotonylglycinuria type 2; METHYLCROTONYLGLYCINURIA, TYPE II. Identifiers: Orphanet 6, MedGen C1859499, MONDO:0008862, OMIM 210210.

Allele frequency attached by ClinVar (database versions not stated): gnomAD exomes 0.00002; ExAC 0.00004; gnomAD 0.00007 and 0.00009; ESP Exome Variant Server 0.00008; TOPMed 0.00009.
gnomAD v4.1: 16 of 1,613,656 alleles (0.00099%); highest among the groups gnomAD compares: African/African-American, 0.019%; no homozygotes.

Submissions (3):

Labcorp Genetics (formerly Invitae), Labcorp
Classification: Uncertain significance for 3-methylcrotonyl-CoA carboxylase 2 deficiency. Last evaluated: 2022-05-07. Review status: criteria provided, single submitter. Criteria: Invitae Variant Classification Sherloc (09022015). Collection method: clinical testing. Allele origin: germline.
Comment: This sequence change replaces threonine, which is neutral and polar, with isoleucine, which is neutral and non-polar, at codon 217 of the MCCC2 protein (p.Thr217Ile). This variant is present in population databases (rs144631139, gnomAD 0.04%). This variant has not been reported in the literature in individuals affected with MCCC2-related conditions. ClinVar contains an entry for this variant (Variation ID: 991031). Advanced modeling of protein sequence and biophysical properties (such as structural, functional, and spatial information, amino acid conservation, physicochemical variation, residue mobility, and thermodynamic stability) performed at Invitae indicates that this missense variant is expected to disrupt MCCC2 protein function. In summary, the available evidence is currently insufficient to determine the role of this variant in disease. Therefore, it has been classified as a Variant of Uncertain Significance.

PreventionGenetics, part of Exact Sciences
Classification: Uncertain significance for MCCC2-related condition. Last evaluated: 2024-07-19. Review status: no assertion criteria provided. Collection method: clinical testing. Allele origin: germline. Not counted in ClinVar's aggregate classification.
Comment: The MCCC2 c.650C>T variant is predicted to result in the amino acid substitution p.Thr217Ile. To our knowledge, this variant has not been reported in the literature. This variant is reported in 0.044% of alleles in individuals of African descent in gnomAD. At this time, the clinical significance of this variant is uncertain due to the absence of conclusive functional and genetic evidence.

Natera, Inc.
Classification: Uncertain significance for 3-methylcrotonylglycinuria. Last evaluated: 2020-08-31. Review status: no assertion criteria provided. Collection method: clinical testing. Allele origin: germline. Not counted in ClinVar's aggregate classification.

NM_022132.5(MCCC2):c.650C>T (p.Thr217Ile)

Gene: MCCC2 (methylcrotonyl-CoA carboxylase subunit 2; plus strand). Cytogenetic location: 5q13.2.
Variant type: single nucleotide variant.
Coding change: c.650C>T on transcript NM_022132.5 (MANE Select); coding-DNA position 650, C replaced by T.
Protein change: p.Thr217Ile; replaces threonine 217 with isoleucine.
Molecular consequence: missense variant. On other transcripts: intron variant (1).
Genome position (GRCh38, 1-based): chr5:71,626,665, C>T. VCF-style: chr5-71626665-C-T. GRCh37 (hg19) VCF-style: chr5-70922492-C-T.
Other names: c.650C>T (NM_022132.4); c.625-5456C>T (NM_001363147.1); short protein forms T217I.
Identifiers: ClinVar variation 991031 (VCV000991031.5), dbSNP rs144631139, ClinGen allele CA3297836.